The following is an entry in ClinVar:

NM_022773.4(LMF1):c.1090C>T (p.Arg364Trp)

Gene: LMF1 (lipase maturation factor 1; minus strand). Cytogenetic location: 16p13.3.
Variant type: single nucleotide variant.
Coding change: c.1090C>T on transcript NM_022773.4 (MANE Select); coding-DNA position 1090, C replaced by T.
Protein change: p.Arg364Trp; replaces arginine 364 with tryptophan.
Molecular consequence: missense variant. On other transcripts: non-coding transcript variant (1).
Genome position (GRCh38, 1-based): chr16:870,871, G>A on the plus strand (C>T on the coding strand, the complement: LMF1 is on the minus strand). VCF-style: chr16-870871-G-A. GRCh37 (hg19) VCF-style: chr16-920871-G-A.
Other names: c.439C>T, p.Arg147Trp (NM_001352017.2, NM_001352021.2); c.691C>T, p.Arg231Trp (NM_001352018.2); c.763C>T, p.Arg255Trp (NM_001352019.2); c.1090C>T, p.Arg364Trp (NM_001352020.1); short protein forms R147W, R231W, R255W, R364W.
Identifiers: ClinVar variation 1305705 (VCV001305705.2), dbSNP rs540153402, ClinGen allele CA7797187.

ClinVar aggregate classification (germline): Uncertain significance (1 of 4 stars; one submission).

Allele frequency attached by ClinVar (database versions not stated): TOPMed 0.00007; gnomAD 0.00011; 1000 Genomes Project 30x 0.00016; gnomAD exomes 0.00020; ExAC 0.00033.
gnomAD v4.1: 190 of 1,607,080 alleles (0.012%); highest among the groups gnomAD compares: South Asian, 0.079%; 2 homozygotes.

Submission:

GeneDx
Classification: Uncertain significance. Last evaluated: 2019-05-13. Review status: criteria provided, single submitter. Criteria: GeneDx Variant Classification Process June 2021. Collection method: clinical testing. Allele origin: germline. Affected: yes.
Comment: In silico analysis, which includes protein predictors and evolutionary conservation, supports a deleterious effect